The following is an entry in ClinVar:

ClinVar aggregate classification (germline): Uncertain significance (1 of 4 stars; one submission).

Submission:

Illumina Laboratory Services, Illumina
Classification: Uncertain significance. Last evaluated: 2020-10-20. Review status: criteria provided, single submitter. Criteria: ICSL CNVClassificationCriteria Aug2020. Collection method: clinical testing. Allele origin: unknown.
Comment: This CNV is a 5.5 Mb duplication of 13q14.3-q21.1, on chromosome 13, (seq[GRCh37]dup(13)(q14.3q21.1); chr13:g.52170957_57713087dup), which is inherited and constitutes a gain encompassing 16 protein coding genes. The centromeric breakpoint lies within an intron of the WDFY2 gene, for which there is currently no evidence for a relationship with disease. Similar CNVs have been reported in two unrelated individuals with comparable phenotypes. In both cases the duplications are similar, but smaller and fully contained within the CNV under curation. One individual with intellectual disability and moderate developmental delay, was observed in the DECIPHER database (Firth et al. 2009). The second individual is from a case cohort with developmental delay (Coe et al. 2014). This CNV has not been reported in controls. Based on the limited evidence currently available, this CNV is classified as a variant of uncertain significance.

Literature cited by the submitters: PubMed 19344873; PubMed 25217958.

GRCh37/hg19 13q14.3-21.1(chr13:52170957-57713087)x3

Genes: ALG11 (ALG11 alpha-1,2-mannosyltransferase; plus strand), ATP7B (ATPase copper transporting beta; minus strand), CCDC70 (coiled-coil domain containing 70; plus strand), CKAP2 (cytoskeleton associated protein 2; plus strand), CNMD (chondromodulin; minus strand) and 12 more. Cytogenetic location: 13q14.3-21.1.
Variant type: copy number gain.
Change: copy number 3 (three copies instead of two) of chr13:52,170,957-57,713,087 (5.54 Mb, GRCh37 coordinates, 1-based), cytogenetic band 13q14.3-21.1.
Identifiers: ClinVar variation 988918 (VCV000988918.4).